The following is an entry in ClinVar:

ClinVar aggregate classification (germline): Uncertain significance. Review status: criteria provided, multiple submitters, no conflicts (2 of 4 stars). 6 submissions from 6 submitters: Uncertain significance (5). 1 of the submissions does not count toward it. Last evaluated 2025-07-14.

Conditions:
APC-related disorder. Also called: APC-related condition.
Familial adenomatous polyposis 1 (FAP1). Also called: POLYPOSIS, ADENOMATOUS INTESTINAL; FAMILIAL ADENOMATOUS POLYPOSIS 1, ATTENUATED. Identifiers: MedGen C2713442, MONDO:0021056, OMIM 175100. Disease mechanism: loss of function.
Hereditary cancer-predisposing syndrome. Also called: Hereditary neoplastic syndrome; Neoplastic Syndromes, Hereditary; Tumor predisposition; Hereditary Cancer Syndrome. Identifiers: Orphanet 140162, MedGen C0027672, MeSH D009386, MONDO:0015356.
Classic or attenuated familial adenomatous polyposis. Identifiers: MedGen CN372698, MONDO:0021057.

Allele frequency attached by ClinVar (database versions not stated): gnomAD exomes 0.00001; TOPMed 0.00001; ExAC 0.00002; ESP Exome Variant Server 0.00008.
gnomAD v4.1: 2 of 1,614,060 alleles (0.00012%); highest among the groups gnomAD compares: Non-Finnish European, 0.00017%; no homozygotes.

Submissions (6):

Color Diagnostics, LLC DBA Color Health
Classification: Uncertain significance for Hereditary cancer-predisposing syndrome. Last evaluated: 2025-07-14. Review status: criteria provided, single submitter. Criteria: ACMG Guidelines, 2015. Collection method: clinical testing. Allele origin: germline.
Comment: This missense variant replaces glutamine with glutamic acid at codon 2500 of the APC protein. Computational prediction is inconclusive regarding the impact of this variant on protein structure and function. To our knowledge, functional studies have not been reported for this variant. This variant has not been reported in individuals affected with hereditary cancer in the literature. This variant has been identified in 2/251280 chromosomes in the general population by the Genome Aggregation Database (gnomAD). The available evidence is insufficient to determine the role of this variant in disease conclusively. Therefore, this variant is classified as a Variant of Uncertain Significance.

Labcorp Genetics (formerly Invitae), Labcorp
Classification: Uncertain significance for Familial adenomatous polyposis 1. Last evaluated: 2025-06-25. Review status: criteria provided, single submitter. Criteria: Invitae Variant Classification Sherloc (09022015). Collection method: clinical testing. Allele origin: germline.
Comment: This sequence change replaces glutamine, which is neutral and polar, with glutamic acid, which is acidic and polar, at codon 2500 of the APC protein (p.Gln2500Glu). This variant is present in population databases (rs372535376, gnomAD 0.003%). This variant has not been reported in the literature in individuals affected with APC-related conditions. ClinVar contains an entry for this variant (Variation ID: 470095). Invitae Evidence Modeling of protein sequence and biophysical properties (such as structural, functional, and spatial information, amino acid conservation, physicochemical variation, residue mobility, and thermodynamic stability) indicates that this missense variant is not expected to disrupt APC protein function with a negative predictive value of 95%. In summary, the available evidence is currently insufficient to determine the role of this variant in disease. Therefore, it has been classified as a Variant of Uncertain Significance.

All of Us Research Program, National Institutes of Health
Classification: Uncertain significance for Classic or attenuated familial adenomatous polyposis. Last evaluated: 2023-11-30. Review status: criteria provided, single submitter. Criteria: ACMG Guidelines, 2015. Collection method: clinical testing. Allele origin: germline. Inheritance: Autosomal dominant inheritance. Observed: 1 variant allele, 1 heterozygote.
Comment: This missense variant replaces glutamine with glutamic acid at codon 2500 of the APC protein. Computational prediction is inconclusive regarding the impact of this variant on protein structure and function (internally defined REVEL score threshold 0.5 < inconclusive < 0.7, PMID: 27666373). To our knowledge, functional studies have not been reported for this variant. This variant has not been reported in individuals affected with hereditary cancer in the literature. This variant has been identified in 2/251280 chromosomes in the general population by the Genome Aggregation Database (gnomAD). The available evidence is insufficient to determine the role of this variant in disease conclusively. Therefore, this variant is classified as a Variant of Uncertain Significance.

This study involves interpretation of variants in research participants for the purpose of population health screening. Participant phenotype was not available at the time of variant classification. Additional details can be found in publication PMID: 35346344, PMCID: PMC8962531

Ambry Genetics
Classification: Uncertain significance for Hereditary cancer-predisposing syndrome. Last evaluated: 2023-04-17. Review status: criteria provided, single submitter. Criteria: Ambry Variant Classification Scheme 2023. Collection method: clinical testing. Allele origin: germline.
Comment: The p.Q2500E variant (also known as c.7498C>G), located in coding exon 15 of the APC gene, results from a C to G substitution at nucleotide position 7498. The glutamine at codon 2500 is replaced by glutamic acid, an amino acid with highly similar properties. In one study, this variant was detected in 0/165 colorectal cancer and/or polyposis patients and was identified in 1/2512 control individuals from a healthy population database (Rosenthal EA et al. Hum Genet, 2018 Oct;137:795-806). This amino acid position is highly conserved in available vertebrate species. In addition, in silico predictors for this gene do not accurately predict pathogenicity. Since supporting evidence is limited at this time, the clinical significance of this alteration remains unclear.

Laboratory for Molecular Medicine, Mass General Brigham Personalized Medicine
Classification: Uncertain significance. Last evaluated: 2016-11-25. Review status: criteria provided, single submitter. Criteria: LMM Criteria. Collection method: clinical testing. Allele origin: germline. Observed: 1 variant allele.
Comment: The p.Gln2500Glu variant in APC has not been previously reported in individuals with APC-associated cancer, but has been identified in 3/112058 European chromos omes by the Genome Aggregation Database (gnomAD, g; dbSNP rs372535376). Computational prediction tools and conservation analysis do not provide strong support for or against an impact to the protein. In summar y, the clinical significance of the p.Gln2500Glu variant is uncertain.

PreventionGenetics, part of Exact Sciences
Classification: Uncertain significance for APC-related condition. Last evaluated: 2024-06-26. Review status: no assertion criteria provided. Collection method: clinical testing. Allele origin: germline. Not counted in ClinVar's aggregate classification.
Comment: The APC c.7498C>G variant is predicted to result in the amino acid substitution p.Gln2500Glu. To our knowledge, this variant has not been reported in the literature in individuals with hereditary cancer. This variant is reported in 0.0018% of alleles in individuals of European (Non-Finnish) descent in gnomAD. This variant is classified as a variant of uncertain significance in ClinVar with multiple submitters in agreement. At this time, the clinical significance of this variant is uncertain due to the absence of conclusive functional and genetic evidence.

Literature cited by the submitters: PubMed 30267214 (cited by Ambry Genetics).

NM_000038.6(APC):c.7498C>G (p.Gln2500Glu)

Gene: APC (APC regulator of Wnt signaling pathway; plus strand). Cytogenetic location: 5q22.2.
Variant type: single nucleotide variant.
Coding change: c.7498C>G on transcript NM_000038.6 (MANE Select); coding-DNA position 7498, C replaced by G.
Protein change: p.Gln2500Glu; replaces glutamine 2500 with glutamic acid.
Molecular consequence: missense variant.
Genome position (GRCh38, 1-based): chr5:112,843,092, C>G. VCF-style: chr5-112843092-C-G. GRCh37 (hg19) VCF-style: chr5-112178789-C-G.
Other names: c.7498C>G, p.Gln2500Glu (NM_001127510.3, NM_001354895.2); c.7444C>G, p.Gln2482Glu (NM_001127511.3); c.7552C>G, p.Gln2518Glu (NM_001354896.2); c.7528C>G, p.Gln2510Glu (NM_001354897.2); c.7423C>G, p.Gln2475Glu (NM_001354898.2); c.7414C>G, p.Gln2472Glu (NM_001354899.2); c.7375C>G, p.Gln2459Glu (NM_001354900.2); c.7321C>G, p.Gln2441Glu (NM_001354901.2); and 5 more; short protein forms Q2482E, Q2500E, Q2399E, Q2472E, Q2475E, Q2340E, Q2409E, Q2441E.
Identifiers: ClinVar variation 470095 (VCV000470095.23), dbSNP rs372535376, ClinGen allele CA048251.